The following is an entry in ClinVar:

ClinVar aggregate classification (germline): Pathogenic (1 of 4 stars; one submission).

Conditions:
Developmental and epileptic encephalopathy, 9 (DEE9). Also called: Early infantile epileptic encephalopathy 9; PCDH19-Related X-Linked Female-Limited Epilepsy with Mental Retardation; EPILEPSY, FEMALE-RESTRICTED, WITH MENTAL RETARDATION; JUBERG-HELLMAN SYNDROME. Identifiers: Orphanet 101039, Orphanet 2076, MedGen C1848137, MONDO:0010246, OMIM 300088. Disease mechanism: loss of function.

Submission:

Labcorp Genetics (formerly Invitae), Labcorp
Classification: Pathogenic for Developmental and epileptic encephalopathy, 9. Last evaluated: 2022-09-01. Review status: criteria provided, single submitter. Criteria: Invitae Variant Classification Sherloc (09022015). Collection method: clinical testing. Allele origin: germline.
Comment: For these reasons, this variant has been classified as Pathogenic. ClinVar contains an entry for this variant (Variation ID: 967751). This variant has not been reported in the literature in individuals affected with PCDH19-related conditions. This variant is not present in population databases (gnomAD no frequency). This sequence change creates a premature translational stop signal (p.Lys227*) in the PCDH19 gene. It is expected to result in an absent or disrupted protein product. Loss-of-function variants in PCDH19 are known to be pathogenic (PMID: 21053371).

Literature cited by the submitters: PubMed 21053371.

NM_001184880.2(PCDH19):c.679A>T (p.Lys227Ter)

Gene: PCDH19 (protocadherin 19; minus strand). Cytogenetic location: Xq22.1.
Variant type: single nucleotide variant.
Coding change: c.679A>T on transcript NM_001184880.2 (MANE Select); coding-DNA position 679, A replaced by T.
Protein change: p.Lys227Ter; replaces lysine 227 with a stop codon.
Molecular consequence: nonsense.
Genome position (GRCh38, 1-based): chrX:100,407,919, T>A on the plus strand (A>T on the coding strand, the complement: PCDH19 is on the minus strand). VCF-style: chrX-100407919-T-A. GRCh37 (hg19) VCF-style: chrX-99662917-T-A.
Other names: c.679A>T, p.Lys227Ter (NM_001105243.2, NM_020766.3); short protein forms K227*.
Identifiers: ClinVar variation 967751 (VCV000967751.8), dbSNP rs1928440191, ClinGen allele CA414008710.